The following is an entry in ClinVar:

ClinVar aggregate classification (germline): Likely benign. Review status: criteria provided, single submitter (1 of 4 stars). 2 submissions from 2 submitters: Likely benign (1). 1 of the submissions does not count toward it. Last evaluated 2019-12-31.

Conditions:
UNC13A-related disorder. Also called: UNC13A-related condition.

Allele frequency attached by ClinVar (database versions not stated): TOPMed 0.00016; gnomAD 0.00029 and 0.00031; ExAC 0.00011.
gnomAD v4.1: 159 of 1,526,528 alleles (0.01%); highest among the groups gnomAD compares: Admixed American, 0.084%; no homozygotes.

Submissions (2):

Labcorp Genetics (formerly Invitae), Labcorp
Classification: Likely benign. Last evaluated: 2019-12-31. Review status: criteria provided, single submitter. Criteria: Invitae Variant Classification Sherloc (09022015). Collection method: clinical testing. Allele origin: germline.

PreventionGenetics, part of Exact Sciences
Classification: Likely benign for UNC13A-related condition. Last evaluated: 2022-07-31. Review status: no assertion criteria provided. Collection method: clinical testing. Allele origin: germline. Not counted in ClinVar's aggregate classification.
Comment: This variant is classified as likely benign based on ACMG/AMP sequence variant interpretation guidelines (Richards et al. 2015 PMID: 25741868, with internal and published modifications).

NM_001080421.3(UNC13A):c.774G>A (p.Thr258=)

Gene: UNC13A (unc-13 homolog A; minus strand). Cytogenetic location: 19p13.11.
Variant type: single nucleotide variant.
Coding change: c.774G>A on transcript NM_001080421.3 (MANE Select); coding-DNA position 774, G replaced by A.
Protein change: p.Thr258=; no amino-acid change (threonine 258 retained).
Molecular consequence: synonymous variant.
Genome position (GRCh38, 1-based): chr19:17,656,392, C>T on the plus strand (G>A on the coding strand, the complement: UNC13A is on the minus strand). VCF-style: chr19-17656392-C-T. GRCh37 (hg19) VCF-style: chr19-17767201-C-T.
Other names: c.774G>A, p.Thr258= (NM_001387021.1, NM_001387022.1, NM_001387023.1).
Identifiers: ClinVar variation 722509 (VCV000722509.6), dbSNP rs755534618, ClinGen allele CA9298656.
Genomic context (GRCh38, chr19:17,656,392, plus strand): 5'-CTCGCTCAGCTGAGAGCTTCCCTGGCTCAGCTCCCCGGAAGAGGCATAGCGGCTGCTACC[C>T]GTGGGGCTGTGGGGATGGAACAGGGTTCAGGGACTGGGGTACCGAGTCACTGCCCACCTG-3'
Protein context (NP_001073890.2, residues 248-268): EFSEPQALSP[Thr258=]GSSRYASSGE